The following is an entry in ClinVar:

NM_025137.4(SPG11):c.256C>G (p.His86Asp)

Gene: SPG11 (SPG11 vesicle trafficking associated, spatacsin; minus strand). Cytogenetic location: 15q21.1.
Variant type: single nucleotide variant.
Coding change: c.256C>G on transcript NM_025137.4 (MANE Select); coding-DNA position 256, C replaced by G.
Protein change: p.His86Asp; replaces histidine 86 with aspartic acid.
Molecular consequence: missense variant.
Genome position (GRCh38, 1-based): chr15:44,663,392, G>C on the plus strand (C>G on the coding strand, the complement: SPG11 is on the minus strand). VCF-style: chr15-44663392-G-C. GRCh37 (hg19) VCF-style: chr15-44955590-G-C.
Other names: c.256C>G, p.His86Asp (NM_001160227.2); short protein forms H86D.
Identifiers: ClinVar variation 860264 (VCV000860264.9), dbSNP rs773123413, ClinGen allele CA7535919.

ClinVar aggregate classification (germline): Uncertain significance. Review status: criteria provided, multiple submitters, no conflicts (2 of 4 stars). 6 submissions from 4 submitters: Uncertain significance (6). Last evaluated 2025-06-13.

Conditions:
Hereditary spastic paraplegia. Also called: Familial spastic paraparesis. Identifiers: Orphanet 685, MedGen C0037773, MONDO:0019064. Disease mechanism: loss of function.
Amyotrophic lateral sclerosis type 5 (ALS5). Also called: AMYOTROPHIC LATERAL SCLEROSIS 5, JUVENILE. Identifiers: Orphanet 300605, MedGen C1865864, MONDO:0011196, OMIM 602099.
Hereditary spastic paraplegia 11. Also called: SPASTIC PARAPLEGIA, AUTOSOMAL RECESSIVE, COMPLICATED, WITH THIN CORPUS CALLOSUM; SPASTIC PARAPLEGIA, AUTOSOMAL RECESSIVE, WITH MENTAL IMPAIRMENT AND THIN CORPUS CALLOSUM; Spastic paraplegia, mental retardation and thin corpus callosum; Nakamura Osame syndrome; Autosomal recessive hereditary spastic paraplegia, mental impairment, and thin corpus callosum; Spastic Paraplegia 11. Identifiers: Orphanet 2822, MedGen C1858479, MONDO:0011445, OMIM 604360.
Charcot-Marie-Tooth disease axonal type 2X. Also called: CHARCOT-MARIE-TOOTH DISEASE, AXONAL, AUTOSOMAL RECESSIVE, TYPE 2X; CHARCOT-MARIE-TOOTH NEUROPATHY, TYPE 2X. Identifiers: Orphanet 466775, MedGen C5569024, MONDO:0014726, OMIM 616668.

Allele frequency attached by ClinVar (database versions not stated): TOPMed 0.00008; gnomAD exomes 0.00012; ExAC 0.00013.
gnomAD v4.1: 35 of 1,607,022 alleles (0.0022%); highest among the groups gnomAD compares: East Asian, 0.074%; no homozygotes.

Submissions (6):

Women's Health and Genetics/Laboratory Corporation of America, LabCorp
Classification: Uncertain significance. Last evaluated: 2025-06-13. Review status: criteria provided, single submitter. Criteria: LabCorp Variant Classification Summary - May 2015. Collection method: clinical testing. Allele origin: germline.
Comment: Variant summary: SPG11 c.256C>G (p.His86Asp) results in a non-conservative amino acid change in the encoded protein sequence. Algorithms developed to predict the effect of missense changes on protein structure and function are either unavailable or do not agree on the potential impact of this missense change. Consensus agreement among computation tools predict no significant impact on normal splicing. However, these predictions have yet to be confirmed by functional studies. The variant allele was found at a frequency of 0.00012 in 228934 control chromosomes (gnomAD). This frequency is not significantly higher than estimated for a pathogenic variant in SPG11 causing Hereditary Spastic Paraplegia, Type 11 (0.00012 vs 0.0011), allowing no conclusion about variant significance. c.256C>G has been observed in individuals affected with amyotrophic lateral sclerosis (Chen_2020, Lin_2020). These reports do not provide unequivocal conclusions about association of the variant with Hereditary Spastic Paraplegia, Type 11. To our knowledge, no experimental evidence demonstrating an impact on protein function has been reported. The following publications have been ascertained in the context of this evaluation (PMID: 32166880, 32729724). ClinVar contains an entry for this variant (Variation ID: 860264). Based on the evidence outlined above, the variant was classified as uncertain significance.

Labcorp Genetics (formerly Invitae), Labcorp
Classification: Uncertain significance for Hereditary spastic paraplegia 11. Last evaluated: 2022-08-16. Review status: criteria provided, single submitter. Criteria: Invitae Variant Classification Sherloc (09022015). Collection method: clinical testing. Allele origin: germline.
Comment: This sequence change replaces histidine, which is basic and polar, with aspartic acid, which is acidic and polar, at codon 86 of the SPG11 protein (p.His86Asp). This variant is present in population databases (rs773123413, gnomAD 0.2%). This missense change has been observed in individual(s) with clinical features of amyotrophic lateral sclerosis (PMID: 32166880). ClinVar contains an entry for this variant (Variation ID: 860264). Algorithms developed to predict the effect of missense changes on protein structure and function (SIFT, PolyPhen-2, Align-GVGD) all suggest that this variant is likely to be tolerated. In summary, the available evidence is currently insufficient to determine the role of this variant in disease. Therefore, it has been classified as a Variant of Uncertain Significance.

Genome Diagnostics Laboratory, The Hospital for Sick Children
Classification: Uncertain significance for Hereditary spastic paraplegia. Last evaluated: 2021-02-22. Review status: criteria provided, single submitter. Criteria: ACMG Guidelines, 2015. Collection method: clinical testing. Allele origin: germline. Affected: yes.

Genome-Nilou Lab
Classification: Uncertain significance for Amyotrophic lateral sclerosis type 5. Review status: criteria provided, single submitter. Criteria: ACMG Guidelines, 2015. Collection method: clinical testing. Allele origin: germline.

Genome-Nilou Lab
Classification: Uncertain significance for Charcot-Marie-Tooth disease axonal type 2X. Review status: criteria provided, single submitter. Criteria: ACMG Guidelines, 2015. Collection method: clinical testing. Allele origin: germline.

Genome-Nilou Lab
Classification: Uncertain significance for Hereditary spastic paraplegia 11. Review status: criteria provided, single submitter. Criteria: ACMG Guidelines, 2015. Collection method: clinical testing. Allele origin: germline.

Literature cited by the submitters: PubMed 32166880 (cited by Women's Health and Genetics/Laboratory Corporation of America, LabCorp and Labcorp Genetics (formerly Invitae), Labcorp); PubMed 32729724 (cited by Women's Health and Genetics/Laboratory Corporation of America, LabCorp).